The following is an entry in ClinVar:

NM_001009999.3(KDM1A):c.1345G>C (p.Asp449His)

Gene: KDM1A (lysine demethylase 1A; plus strand). Cytogenetic location: 1p36.12.
Variant type: single nucleotide variant.
Coding change: c.1345G>C on transcript NM_001009999.3 (MANE Select); coding-DNA position 1345, G replaced by C.
Protein change: p.Asp449His; replaces aspartic acid 449 with histidine.
Molecular consequence: missense variant.
Genome position (GRCh38, 1-based): chr1:23,069,083, G>C. VCF-style: chr1-23069083-G-C. GRCh37 (hg19) VCF-style: chr1-23395576-G-C.
Other names: c.1273G>C, p.Asp425His (NM_001363654.2, NM_001410763.1, NM_015013.4); c.1333G>C, p.Asp445His (NM_001410762.1); short protein forms D425H, D445H, D449H.
Identifiers: ClinVar variation 4622724 (VCV004622724.1).

ClinVar aggregate classification (germline): Uncertain significance (1 of 4 stars; one submission).

Conditions:
Inborn genetic diseases. Identifiers: MedGen C0950123, MeSH D030342.

gnomAD v4.1: 1 of 1,610,184 alleles (0.000062%); highest among the groups gnomAD compares: Admixed American, 0.0017%; no homozygotes.

Submission:

Ambry Genetics
Classification: Uncertain significance for Inborn genetic diseases. Last evaluated: 2025-11-24. Review status: criteria provided, single submitter. Criteria: Ambry Variant Classification Scheme 2023. Collection method: clinical testing. Allele origin: germline.
Comment: The p.D449H variant (also known as c.1345G>C), located in coding exon 12 of the KDM1A gene, results from a G to C substitution at nucleotide position 1345. The aspartic acid at codon 449 is replaced by histidine, an amino acid with similar properties. This amino acid position is conserved. In addition, this alteration is predicted to be deleterious by in silico analysis. Based on the available evidence, the clinical significance of this variant remains unclear.